The following is an entry in ClinVar:

ClinVar aggregate classification (germline): Uncertain significance. Review status: criteria provided, multiple submitters, no conflicts (2 of 4 stars). 2 submissions from 2 submitters: Uncertain significance (2). Last evaluated 2025-01-16.

Conditions:
Deficiency of aromatic-L-amino-acid decarboxylase. Also called: Aromatic amino acid decarboxylase deficiency; Aromatic L-Amino Acid Decarboxylase Deficiency; AADC DEFICIENCY; DDC DEFICIENCY; DOPA DECARBOXYLASE DEFICIENCY. Identifiers: Orphanet 35708, MedGen C1291564, MONDO:0012084, OMIM 608643.

Submissions (2):

Women's Health and Genetics/Laboratory Corporation of America, LabCorp
Classification: Uncertain significance. Last evaluated: 2025-01-16. Review status: criteria provided, single submitter. Criteria: LabCorp Variant Classification Summary - May 2015. Collection method: clinical testing. Allele origin: germline.
Comment: Variant summary: DDC c.1217T>A (p.Leu406Gln) results in a non-conservative amino acid change in the encoded protein sequence. Five of five in-silico tools predict a damaging effect of the variant on protein function. The variant was absent in 251482 control chromosomes. The available data on variant occurrences in the general population are insufficient to allow any conclusion about variant significance. c.1217T>A has been reported in the literature in unspecified individual(s) affected with Deficiency Of Aromatic-L-Amino-Acid Decarboxylase, without strong evidence for causality (Himmelreich_2022). These report(s) do not provide unequivocal conclusions about association of the variant with Deficiency Of Aromatic-L-Amino-Acid Decarboxylase. To our knowledge, no experimental evidence demonstrating an impact on protein function has been reported. The following publication has been ascertained in the context of this evaluation (PMID: 36427457). ClinVar contains an entry for this variant (Variation ID: 1384091). Based on the evidence outlined above, the variant was classified as uncertain significance.

Labcorp Genetics (formerly Invitae), Labcorp
Classification: Uncertain significance for Deficiency of aromatic-L-amino-acid decarboxylase. Last evaluated: 2021-10-02. Review status: criteria provided, single submitter. Criteria: Invitae Variant Classification Sherloc (09022015). Collection method: clinical testing. Allele origin: germline.
Comment: In summary, the available evidence is currently insufficient to determine the role of this variant in disease. Therefore, it has been classified as a Variant of Uncertain Significance. Algorithms developed to predict the effect of missense changes on protein structure and function (SIFT, PolyPhen-2, Align-GVGD) all suggest that this variant is likely to be disruptive. This variant has not been reported in the literature in individuals affected with DDC-related conditions. This variant is not present in population databases (ExAC no frequency). This sequence change replaces leucine with glutamine at codon 406 of the DDC protein (p.Leu406Gln). The leucine residue is highly conserved and there is a moderate physicochemical difference between leucine and glutamine.

Literature cited by the submitters: PubMed 36427457 (cited by Women's Health and Genetics/Laboratory Corporation of America, LabCorp).

NM_001082971.2(DDC):c.1217T>A (p.Leu406Gln)

Gene: DDC (dopa decarboxylase; minus strand). Cytogenetic location: 7p12.2.
Variant type: single nucleotide variant.
Coding change: c.1217T>A on transcript NM_001082971.2 (MANE Select); coding-DNA position 1217, T replaced by A.
Protein change: p.Leu406Gln; replaces leucine 406 with glutamine.
Molecular consequence: missense variant.
Genome position (GRCh38, 1-based): chr7:50,467,239, A>T on the plus strand (T>A on the coding strand, the complement: DDC is on the minus strand). VCF-style: chr7-50467239-A-T. GRCh37 (hg19) VCF-style: chr7-50534937-A-T.
Other names: c.1217T>A, p.Leu406Gln (NM_000790.4); c.1103T>A, p.Leu368Gln (NM_001242886.2); c.1073T>A, p.Leu358Gln (NM_001242887.2); c.983T>A, p.Leu328Gln (NM_001242888.2); c.938T>A, p.Leu313Gln (NM_001242889.2); short protein forms L358Q, L406Q, L313Q, L328Q, L368Q.
Identifiers: ClinVar variation 1384091 (VCV001384091.8), dbSNP rs2153533796, ClinGen allele CA367531384.